The following is an entry in ClinVar:

NM_032043.3(BRIP1):c.2729_2730del (p.Glu910fs)

Gene: BRIP1 (BRCA1 interacting DNA helicase 1; minus strand). Cytogenetic location: 17q23.2.
Variant type: Deletion.
Coding change: c.2729_2730del on transcript NM_032043.3 (MANE Select); coding-DNA positions 2729 to 2730, 2 bases deleted (AA; older notation c.2729_2730delAA).
Protein change: p.Glu910fs; shifts the reading frame from glutamic acid 910.
Molecular consequence: frameshift variant.
Genome position (GRCh38, 1-based): chr17:61,686,011-61,686,012, TT deleted on the plus strand (AA on the coding strand, the reverse complement: BRIP1 is on the minus strand). VCF-style (leftmost placement, unchanged base first): chr17-61686010-CTT-C. GRCh37 (hg19) VCF-style: chr17-59763371-CTT-C.
Other names: short protein forms E910fs.
Identifiers: ClinVar variation 1457816 (VCV001457816.7), dbSNP rs2144113535, ClinGen allele CA2573154367.
Genomic context (GRCh38, chr17:61,686,010, plus strand): 5'-GTGATAGATGACTTGCTGCTTCCAGTAAATAAGGTGAGGTACTGTACTTTAAAGAGGTCA[CTT>C]CAAGTGTAGACTCATTGTCCTGTATATTGGTTCTGTCCTTTATGGATACATTAAGAACTT-3'

ClinVar aggregate classification (germline): Pathogenic (1 of 4 stars; one submission).

Conditions:
Familial cancer of breast. Also called: hereditary breast carcinoma; BREAST CANCER, FAMILIAL; Hereditary breast cancer. Identifiers: Orphanet 227535, MedGen C0346153, MONDO:0016419, OMIM 114480. Disease mechanism: loss of function.
Fanconi anemia complementation group J. Also called: BRIP1-Related Fanconi Anemia. Identifiers: Orphanet 84, MedGen C1836860, MONDO:0012187, OMIM 609054.

Submission:

Labcorp Genetics (formerly Invitae), Labcorp
Classification: Pathogenic for Familial cancer of breast; Fanconi anemia complementation group J. Last evaluated: 2021-05-18. Review status: criteria provided, single submitter. Criteria: Invitae Variant Classification Sherloc (09022015). Collection method: clinical testing. Allele origin: germline.
Comment: This variant is not present in population databases (ExAC no frequency). This sequence change creates a premature translational stop signal (p.Glu910Glyfs*28) in the BRIP1 gene. It is expected to result in an absent or disrupted protein product. Loss-of-function variants in BRIP1 are known to be pathogenic (PMID: 16116423, 17033622, 21964575). This variant has not been reported in the literature in individuals with BRIP1-related conditions. For these reasons, this variant has been classified as Pathogenic. Algorithms developed to predict the effect of sequence changes on RNA splicing suggest that this variant may create or strengthen a splice site, but this prediction has not been confirmed by published transcriptional studies.

Literature cited by the submitters: PubMed 16116423; PubMed 17033622; PubMed 21964575.